The following is an entry in ClinVar:

ClinVar aggregate classification (germline): Uncertain significance (1 of 4 stars; one submission).

Conditions:
Colorectal cancer, hereditary nonpolyposis, type 7. Identifiers: Orphanet 144, MedGen C1858380, MONDO:0013725, OMIM 614385.

Submission:

Labcorp Genetics (formerly Invitae), Labcorp
Classification: Uncertain significance for Colorectal cancer, hereditary nonpolyposis, type 7. Last evaluated: 2023-03-06. Review status: criteria provided, single submitter. Criteria: Invitae Variant Classification Sherloc (09022015). Collection method: clinical testing. Allele origin: germline.
Comment: This sequence change falls in intron 4 of the MLH3 gene. It does not directly change the encoded amino acid sequence of the MLH3 protein. It affects a nucleotide within the consensus splice site. This variant is not present in population databases (gnomAD no frequency). This variant has not been reported in the literature in individuals affected with MLH3-related conditions. Variants that disrupt the consensus splice site are a relatively common cause of aberrant splicing (PMID: 17576681, 9536098). Algorithms developed to predict the effect of sequence changes on RNA splicing suggest that this variant may disrupt the consensus splice site. In summary, the available evidence is currently insufficient to determine the role of this variant in disease. Therefore, it has been classified as a Variant of Uncertain Significance.

Literature cited by the submitters: PubMed 17576681; PubMed 9536098.

NM_001040108.2(MLH3):c.3465+4G>T

Gene: MLH3 (mutL homolog 3; minus strand). Cytogenetic location: 14q24.3.
Variant type: single nucleotide variant.
Coding change: c.3465+4G>T on transcript NM_001040108.2 (MANE Select); 4 bases into the intron after coding-DNA position 3465, G replaced by T.
Molecular consequence: intron variant.
Genome position (GRCh38, 1-based): chr14:75,041,611, C>A on the plus strand (G>T on the coding strand, the complement: MLH3 is on the minus strand). VCF-style: chr14-75041611-C-A. GRCh37 (hg19) VCF-style: chr14-75508314-C-A.
Other names: c.3465+4G>T (NM_014381.3).
Identifiers: ClinVar variation 2778239 (VCV002778239.3), dbSNP rs2139492025, ClinGen allele CA2729988689.
Genomic context (GRCh38, chr14:75,041,611, plus strand): 5'-AATTTAAAAAATAAGAAGAAGAAGAAGAAAAAAAAAAGGCAAAGAAAAACTGCTACAGAC[C>A]CACCTCTGGATAACGGGCAAATACTGGATTGTCCCATTCTGAGAACAAAGACTGAAGCGA-3'